The following is an entry in ClinVar:

ClinVar aggregate classification (germline): Uncertain significance. Review status: criteria provided, multiple submitters, no conflicts (2 of 4 stars). 2 submissions from 2 submitters: Uncertain significance (2). Last evaluated 2025-12-10.

Conditions:
Hereditary cancer-predisposing syndrome. Also called: Hereditary neoplastic syndrome; Neoplastic Syndromes, Hereditary; Tumor predisposition; Hereditary Cancer Syndrome. Identifiers: Orphanet 140162, MedGen C0027672, MeSH D009386, MONDO:0015356.
Ataxia-telangiectasia-like disorder (ATLD). Identifiers: MedGen C1858391, MONDO:0011457.

Submissions (2):

Ambry Genetics
Classification: Uncertain significance for Hereditary cancer-predisposing syndrome. Last evaluated: 2025-12-10. Review status: criteria provided, single submitter. Criteria: Ambry Variant Classification Scheme 2023. Collection method: clinical testing. Allele origin: germline.
Comment: The p.T199I variant (also known as c.596C>T), located in coding exon 6 of the MRE11A gene, results from a C to T substitution at nucleotide position 596. The threonine at codon 199 is replaced by isoleucine, an amino acid with similar properties. This amino acid position is conserved. In addition, the in silico prediction for this alteration is inconclusive. Based on the available evidence, the clinical significance of this variant remains unclear.

Labcorp Genetics (formerly Invitae), Labcorp
Classification: Uncertain significance for Ataxia-telangiectasia-like disorder. Last evaluated: 2019-06-28. Review status: criteria provided, single submitter. Criteria: Invitae Variant Classification Sherloc (09022015). Collection method: clinical testing. Allele origin: germline.
Comment: This variant is not present in population databases (ExAC no frequency). In summary, the available evidence is currently insufficient to determine the role of this variant in disease. Therefore, it has been classified as a Variant of Uncertain Significance. Algorithms developed to predict the effect of missense changes on protein structure and function are either unavailable or do not agree on the potential impact of this missense change (SIFT: "Deleterious"; PolyPhen-2: "Benign"; Align-GVGD: "Class C0"). This variant has not been reported in the literature in individuals with MRE11-related conditions. This sequence change replaces threonine with isoleucine at codon 199 of the MRE11 protein (p.Thr199Ile). The threonine residue is moderately conserved and there is a moderate physicochemical difference between threonine and isoleucine.

NM_005591.4(MRE11):c.596C>T (p.Thr199Ile)

Gene: MRE11 (MRE11 double strand break repair nuclease; minus strand). Cytogenetic location: 11q21.
Variant type: single nucleotide variant.
Coding change: c.596C>T on transcript NM_005591.4 (MANE Select); coding-DNA position 596, C replaced by T.
Protein change: p.Thr199Ile; replaces threonine 199 with isoleucine.
Molecular consequence: missense variant.
Genome position (GRCh38, 1-based): chr11:94,476,352, G>A on the plus strand (C>T on the coding strand, the complement: MRE11 is on the minus strand). VCF-style: chr11-94476352-G-A. GRCh37 (hg19) VCF-style: chr11-94209518-G-A.
Other names: c.596C>T, p.Thr199Ile (NM_001330347.2, NM_005590.4); short protein forms T199I.
Identifiers: ClinVar variation 939109 (VCV000939109.10), dbSNP rs890702534, ClinGen allele CA226532672.